The following is an entry in ClinVar:

ClinVar aggregate classification (germline): Uncertain significance (1 of 4 stars; one submission).

gnomAD v4.1: 2 of 1,614,062 alleles (0.00012%); highest among the groups gnomAD compares: Non-Finnish European, 0.00017%; no homozygotes.

Submission:

CeGaT Center for Human Genetics Tuebingen
Classification: Uncertain significance. Last evaluated: 2022-10-01. Review status: criteria provided, single submitter. Criteria: CeGaT Center For Human Genetics Tuebingen Variant Classification Criteria Version 2. Collection method: clinical testing. Allele origin: germline. Affected: yes. Observed: 1 variant allele.
Comment: SPG11: PM2

NM_025137.4(SPG11):c.2903G>A (p.Gly968Glu)

Gene: SPG11 (SPG11 vesicle trafficking associated, spatacsin; minus strand). Cytogenetic location: 15q21.1.
Variant type: single nucleotide variant.
Coding change: c.2903G>A on transcript NM_025137.4 (MANE Select); coding-DNA position 2903, G replaced by A.
Protein change: p.Gly968Glu; replaces glycine 968 with glutamic acid.
Molecular consequence: missense variant.
Genome position (GRCh38, 1-based): chr15:44,615,498, C>T on the plus strand (G>A on the coding strand, the complement: SPG11 is on the minus strand). VCF-style: chr15-44615498-C-T. GRCh37 (hg19) VCF-style: chr15-44907696-C-T.
Other names: c.2903G>A, p.Gly968Glu (NM_001160227.2, NM_001411132.1); short protein forms G968E.
Identifiers: ClinVar variation 2645283 (VCV002645283.24), dbSNP rs769129678, ClinGen allele CA392229507.